The following is an entry in ClinVar:

NM_004304.5(ALK):c.425_430dup (p.Val142_Leu143dup)

Gene: ALK (ALK receptor tyrosine kinase; minus strand). Cytogenetic location: 2p23.1.
Variant type: Duplication.
Coding change: c.425_430dup on transcript NM_004304.5 (MANE Select); coding-DNA positions 425 to 430, 6 bases duplicated (TGCTGG; older notation c.425_430dupTGCTGG).
Protein change: p.Val142_Leu143dup.
Molecular consequence: inframe insertion.
Genome position (GRCh38, 1-based): chr2:29,920,230-29,920,235, CCAGCA duplicated on the plus strand (TGCTGG on the coding strand, the reverse complement: ALK is on the minus strand); duplicating any 6 consecutive bases within chr2:29,920,230-29,920,238 gives the same sequence; the c. name uses the placement nearest the transcript's 3' end. VCF-style (leftmost placement, unchanged base first): chr2-29920229-T-TCCAGCA. GRCh37 (hg19) VCF-style: chr2-30143095-T-TCCAGCA.
Identifiers: ClinVar variation 1059626 (VCV001059626.9), dbSNP rs2148443279, ClinGen allele CA2499215885.
Genomic context (GRCh38, chr2:29,920,229, plus strand): 5'-CCCACAGCCGCCTCCCCGGGGGGCCCGACGCAACCCTCCAAGATCGCCTCCTCGCCCAGC[T>TCCAGCA]CCAGCACCAACTGCTTGGCACGCCGGAGCTTGCGCACGGAGCCGCCCTTCAGCACCCTGG-3'

ClinVar aggregate classification (germline): Uncertain significance (1 of 4 stars; one submission).

Conditions:
Neuroblastoma, susceptibility to, 3. Also called: ALK-Related Neuroblastic Tumor Susceptibility. Identifiers: Orphanet 635, MedGen C2751681, MONDO:0013083, OMIM 613014.

Submission:

Labcorp Genetics (formerly Invitae), Labcorp
Classification: Uncertain significance for Neuroblastoma, susceptibility to, 3. Last evaluated: 2020-03-05. Review status: criteria provided, single submitter. Criteria: Invitae Variant Classification Sherloc (09022015). Collection method: clinical testing. Allele origin: germline.
Comment: In summary, the available evidence is currently insufficient to determine the role of this variant in disease. Therefore, it has been classified as a Variant of Uncertain Significance. Experimental studies and prediction algorithms are not available or were not evaluated, and the functional significance of this variant is currently unknown. This variant has not been reported in the literature in individuals with ALK-related conditions. This variant is not present in population databases (ExAC no frequency). This variant, c.425_430dup, results in the insertion of 2 amino acid(s) to the ALK protein (p.Val142_Leu143dup), but otherwise preserves the integrity of the reading frame.